The following is an entry in ClinVar:

ClinVar aggregate classification (germline): Uncertain significance (1 of 4 stars; one submission).

Conditions:
Neuronopathy, distal hereditary motor, autosomal recessive 4. Also called: NEUROPATHY, DISTAL HEREDITARY MOTOR, AUTOSOMAL RECESSIVE 4; Autosomal recessive lower motor neuron disease with childhood onset. Identifiers: Orphanet 206580, MedGen C1970211, MONDO:0012608, OMIM 611067.
Charcot-Marie-Tooth disease recessive intermediate C. Also called: CHARCOT-MARIE-TOOTH NEUROPATHY, RECESSIVE INTERMEDIATE C. Identifiers: Orphanet 369867, MedGen C3809309, MONDO:0014154, OMIM 615376.

Allele frequency attached by ClinVar (database versions not stated): gnomAD exomes below 0.00001; TOPMed below 0.00001.
gnomAD v4.1: 1 of 1,610,676 alleles (0.000062%); highest among the groups gnomAD compares: Non-Finnish European, 0.000085%; no homozygotes.

Submission:

Labcorp Genetics (formerly Invitae), Labcorp
Classification: Uncertain significance for Neuronopathy, distal hereditary motor, autosomal recessive 4; Charcot-Marie-Tooth disease recessive intermediate C. Last evaluated: 2023-08-04. Review status: criteria provided, single submitter. Criteria: Invitae Variant Classification Sherloc (09022015). Collection method: clinical testing. Allele origin: germline.
Comment: In summary, the available evidence is currently insufficient to determine the role of this variant in disease. Therefore, it has been classified as a Variant of Uncertain Significance. An algorithm developed to predict the effect of missense changes on protein structure and function (PolyPhen-2) suggests that this variant is likely to be disruptive. ClinVar contains an entry for this variant (Variation ID: 1393595). This variant has not been reported in the literature in individuals affected with PLEKHG5-related conditions. This sequence change replaces glycine, which is neutral and non-polar, with alanine, which is neutral and non-polar, at codon 424 of the PLEKHG5 protein (p.Gly424Ala). This variant is present in population databases (no rsID available, gnomAD 0.001%).

NM_020631.6(PLEKHG5):c.1271G>C (p.Gly424Ala)

Gene: PLEKHG5 (pleckstrin homology and RhoGEF domain containing G5; minus strand). Cytogenetic location: 1p36.31.
Variant type: single nucleotide variant.
Coding change: c.1271G>C on transcript NM_020631.6 (MANE Select); coding-DNA position 1271, G replaced by C.
Protein change: p.Gly424Ala; replaces glycine 424 with alanine.
Molecular consequence: missense variant.
Genome position (GRCh38, 1-based): chr1:6,471,498, C>G on the plus strand (G>C on the coding strand, the complement: PLEKHG5 is on the minus strand). VCF-style: chr1-6471498-C-G. GRCh37 (hg19) VCF-style: chr1-6531558-C-G.
Other names: c.1382G>C, p.Gly461Ala (NM_001042663.3, NM_001265592.2); c.1271G>C, p.Gly424Ala (NM_001042664.2, NM_001042665.2, NM_001265594.3 and 1 more transcripts); c.1478G>C, p.Gly493Ala (NM_001265593.2); short protein forms G424A, G461A, G493A.
Identifiers: ClinVar variation 1393595 (VCV001393595.6), dbSNP rs1209779631, ClinGen allele CA338128846.
Genomic context (GRCh38, chr1:6,471,498, plus strand): 5'-CGCCCCAGCCCTGCCTCAGTGCCCCCGCCTGCGCCCGGCCCCGCCCGTACCATCTTGAAG[C>G]CTTTGAGGAAGTCCCCGGGCTGTAGCAGCGCTCGCGTGCGCCGCGCCTTCTCCAGCACCG-3'
Protein context (NP_065682.2, residues 414-434): ALLQPGDFLK[Gly424Ala]FKMFGSLFKP